The following is an entry in ClinVar:

ClinVar aggregate classification (germline): Likely benign. Review status: criteria provided, multiple submitters, no conflicts (2 of 4 stars). 3 submissions from 3 submitters: Likely benign (3). Last evaluated 2025-12-09.

Conditions:
Inborn genetic diseases. Identifiers: MedGen C0950123, MeSH D030342.

Allele frequency attached by ClinVar (database versions not stated): 1000 Genomes Project 30x 0.00016.
gnomAD v4.1: 154 of 1,613,396 alleles (0.0095%); highest among the groups gnomAD compares: Middle Eastern, 0.033%; no homozygotes.

Submissions (3):

Labcorp Genetics (formerly Invitae), Labcorp
Classification: Likely benign. Last evaluated: 2025-12-09. Review status: criteria provided, single submitter. Criteria: Invitae Variant Classification Sherloc (09022015). Collection method: clinical testing. Allele origin: germline.

CeGaT Center for Human Genetics Tuebingen
Classification: Likely benign. Last evaluated: 2022-09-01. Review status: criteria provided, single submitter. Criteria: CeGaT Center For Human Genetics Tuebingen Variant Classification Criteria Version 2. Collection method: clinical testing. Allele origin: germline. Affected: yes. Observed: 1 variant allele.
Comment: KMT2B: BP4

Ambry Genetics
Classification: Likely benign for Inborn genetic diseases. Last evaluated: 2021-08-11. Review status: criteria provided, single submitter. Criteria: Ambry Variant Classification Scheme 2023. Collection method: clinical testing. Allele origin: germline.

NM_014727.3(KMT2B):c.520C>G (p.Pro174Ala)

Gene: KMT2B (lysine methyltransferase 2B; plus strand). Cytogenetic location: 19q13.12.
Variant type: single nucleotide variant.
Coding change: c.520C>G on transcript NM_014727.3 (MANE Select); coding-DNA position 520, C replaced by G.
Protein change: p.Pro174Ala; replaces proline 174 with alanine.
Molecular consequence: missense variant.
Genome position (GRCh38, 1-based): chr19:35,719,867, C>G. VCF-style: chr19-35719867-C-G. GRCh37 (hg19) VCF-style: chr19-36210769-C-G.
Other names: short protein forms P174A.
Identifiers: ClinVar variation 2354742 (VCV002354742.29), dbSNP rs779172579, ClinGen allele CA9384050.